The following is an entry in ClinVar:

NM_014915.3(ANKRD26):c.4492A>G (p.Asn1498Asp)

Gene: ANKRD26 (ankyrin repeat domain 26; minus strand). Cytogenetic location: 10p12.1.
Variant type: single nucleotide variant.
Coding change: c.4492A>G on transcript NM_014915.3 (MANE Select); coding-DNA position 4492, A replaced by G.
Protein change: p.Asn1498Asp; replaces asparagine 1498 with aspartic acid.
Molecular consequence: missense variant.
Genome position (GRCh38, 1-based): chr10:27,017,516, T>C on the plus strand (A>G on the coding strand, the complement: ANKRD26 is on the minus strand). VCF-style: chr10-27017516-T-C. GRCh37 (hg19) VCF-style: chr10-27306445-T-C.
Other names: c.4489A>G, p.Asn1497Asp (NM_001256053.2); short protein forms N1498D, N1497D.
Identifiers: ClinVar variation 4579508 (VCV004579508.1).

ClinVar aggregate classification (germline): Uncertain significance (1 of 4 stars; one submission).

Conditions:
Inborn genetic diseases. Identifiers: MedGen C0950123, MeSH D030342.

gnomAD v4.1: 2 of 1,613,520 alleles (0.00012%); highest among the groups gnomAD compares: Non-Finnish European, 0.000085%; no homozygotes.

Submission:

Ambry Genetics
Classification: Uncertain significance for Inborn genetic diseases. Last evaluated: 2025-10-16. Review status: criteria provided, single submitter. Criteria: Ambry Variant Classification Scheme 2023. Collection method: clinical testing. Allele origin: germline.
Comment: The p.N1498D variant (also known as c.4492A>G), located in coding exon 30 of the ANKRD26 gene, results from an A to G substitution at nucleotide position 4492. The asparagine at codon 1498 is replaced by aspartic acid, an amino acid with highly similar properties. This amino acid position is conserved. In addition, this alteration is predicted to be tolerated by in silico analysis. Based on the available evidence, the clinical significance of this variant remains unclear.